The following is an entry in ClinVar:

NM_001164508.2(NEB):c.20162T>C (p.Leu6721Pro)

Gene: NEB (nebulin; minus strand). Cytogenetic location: 2q23.3.
Variant type: single nucleotide variant.
Coding change: c.20162T>C on transcript NM_001164508.2 (MANE Select); coding-DNA position 20162, T replaced by C.
Protein change: p.Leu6721Pro; replaces leucine 6721 with proline.
Molecular consequence: missense variant.
Genome position (GRCh38, 1-based): chr2:151,547,734, A>G on the plus strand (T>C on the coding strand, the complement: NEB is on the minus strand). VCF-style: chr2-151547734-A-G. GRCh37 (hg19) VCF-style: chr2-152404248-A-G.
Other names: p.Leu5020Pro; c.20162T>C, p.Leu6721Pro (NM_001164507.2, NM_001271208.2); c.15059T>C, p.Leu5020Pro (NM_004543.5); short protein forms L5020P, L6721P.
Identifiers: ClinVar variation 331437 (VCV000331437.52), dbSNP rs111517514, ClinGen allele CA1907400.
Genomic context (GRCh38, chr2:151,547,734, plus strand): 5'-TCAGGGGTATCGGGAGTTGTATGGATCTTGTCTTTCAGTTTGTGGTACAATTCCCGATAC[A>G]GTCTCTACGTTGGAGGAAATATCATTACAGGCATTTAGTAGGGGACGACGAGGGCATCTA-3'
Protein context (NP_001157980.2, residues 6711-6731): RRVNNVTSER[Leu6721Pro]YRELYHKLKD

ClinVar aggregate classification (germline): Conflicting classifications of pathogenicity. Review status: criteria provided, conflicting classifications (1 of 4 stars). 11 submissions from 11 submitters: Uncertain significance (8); Benign (1); Likely benign (1). 1 of the submissions does not count toward it. Last evaluated 2026-01-28.

Conditions:
Nemaline myopathy 2 (NEM2). Also called: Nemaline myopathy 2, autosomal recessive. Identifiers: MedGen C1850569, MONDO:0009725, OMIM 256030.
Arthrogryposis multiplex congenita 6. Identifiers: MedGen C5543431, MONDO:0030281, OMIM 619334.

Allele frequency attached by ClinVar (database versions not stated): 1000 Genomes Project 0.00020; gnomAD 0.00029 and 0.00034; 1000 Genomes Project 30x 0.00031; TOPMed 0.00032; ExAC 0.00051; gnomAD exomes 0.00052 and 0.00055; ESP Exome Variant Server 0.00058.
gnomAD v4.1: 861 of 1,611,598 alleles (0.053%); highest among the groups gnomAD compares: Middle Eastern, 0.33%; 1 homozygote.

Submissions (11):

Labcorp Genetics (formerly Invitae), Labcorp
Classification: Benign for Nemaline myopathy 2. Last evaluated: 2026-01-28. Review status: criteria provided, single submitter. Criteria: Invitae Variant Classification Sherloc (09022015). Collection method: clinical testing. Allele origin: germline.

CeGaT Center for Human Genetics Tuebingen
Classification: Likely benign. Last evaluated: 2025-07-01. Review status: criteria provided, single submitter. Criteria: CeGaT Center For Human Genetics Tuebingen Variant Classification Criteria Version 2. Collection method: clinical testing. Allele origin: germline. Affected: yes. Observed: 3 variant alleles.
Comment: NEB: BS2

Blueprint Genetics
Classification: Uncertain significance. Last evaluated: 2024-11-18. Review status: criteria provided, single submitter. Criteria: ACMG Guidelines, 2015. Collection method: clinical testing. Allele origin: germline.

Revvity Omics, Revvity
Classification: Uncertain significance. Last evaluated: 2024-07-03. Review status: criteria provided, single submitter. Criteria: ACMG Guidelines, 2015. Collection method: clinical testing. Allele origin: germline.

Athena Diagnostics
Classification: Uncertain significance. Last evaluated: 2024-01-12. Review status: criteria provided, single submitter. Criteria: Athena Diagnostics Criteria. Collection method: clinical testing. Allele origin: unknown.
Comment: Available data are insufficient to determine the clinical significance of the variant at this time. The frequency of this variant in the general population is uninformative in assessment of its pathogenicity. Computational tools predict that this variant is damaging.

Department of Pathology and Laboratory Medicine, Sinai Health System
Classification: Uncertain significance for Nemaline myopathy 2; Arthrogryposis multiplex congenita 6. Last evaluated: 2022-05-13. Review status: criteria provided, single submitter. Criteria: ACMG Guidelines, 2015. Collection method: research. Allele origin: germline.

Mayo Clinic Laboratories, Mayo Clinic
Classification: Uncertain significance. Last evaluated: 2021-09-17. Review status: criteria provided, single submitter. Criteria: ACMG Guidelines, 2015. Collection method: clinical testing. Allele origin: germline.

GeneDx
Classification: Uncertain significance. Last evaluated: 2021-05-03. Review status: criteria provided, single submitter. Criteria: GeneDx Variant Classification Process June 2021. Collection method: clinical testing. Allele origin: germline. Affected: yes.
Comment: In silico analysis, which includes protein predictors and evolutionary conservation, supports a deleterious effect; Has not been previously published as pathogenic or benign to our knowledge

Illumina Laboratory Services, Illumina
Classification: Uncertain significance for Nemaline myopathy 2. Last evaluated: 2018-01-12. Review status: criteria provided, single submitter. Criteria: ICSL Variant Classification Criteria 13 December 2019. Collection method: clinical testing. Allele origin: germline.

Breakthrough Genomics
Classification: Uncertain significance. Review status: criteria provided, single submitter. Criteria: ACMG Guidelines, 2015. Collection method: not provided. Allele origin: germline. Inheritance: Autosomal recessive inheritance. Affected: yes.

Natera, Inc.
Classification: Uncertain significance for Nemaline myopathy type 2. Last evaluated: 2019-11-11. Review status: no assertion criteria provided. Collection method: clinical testing. Allele origin: germline. Not counted in ClinVar's aggregate classification.

Literature cited by the submitters: PubMed 29970176 (cited by Athena Diagnostics); PubMed 32004447 (cited by Athena Diagnostics).